The following is an entry in ClinVar:

ClinVar aggregate classification (germline): Likely benign (1 of 4 stars; one submission).

Conditions:
Factor VII-activating protease marburg I. Identifiers: MedGen CN068943.

Allele frequency attached by ClinVar (database versions not stated): gnomAD 0.00009 and 0.00015; TOPMed 0.00016; gnomAD exomes 0.00031; 1000 Genomes Project 0.00060; 1000 Genomes Project 30x 0.00094.
gnomAD v4.1: 162 of 615,282 alleles (0.026%); highest among the groups gnomAD compares: East Asian, 0.4%; 1 homozygote.

Submission:

Illumina Laboratory Services, Illumina
Classification: Likely benign for Factor VII Marburg I Variant Thrombophilia. Last evaluated: 2018-01-12. Review status: criteria provided, single submitter. Criteria: ICSL Variant Classification Criteria 13 December 2019. Collection method: clinical testing. Allele origin: germline.
Comment: This variant was observed in the ICSL laboratory as part of a predisposition screen in an ostensibly healthy population. It had not been previously curated by ICSL or reported in the Human Gene Mutation Database (HGMD: prior to June 1st, 2018), and was therefore a candidate for classification through an automated scoring system. Utilizing variant allele frequency, disease prevalence and penetrance estimates, and inheritance mode, an automated score was calculated to assess if this variant is too frequent to cause the disease. Based on the score and internal cut-off values, a variant classified as likely benign is not then subjected to further curation. The score for this variant resulted in a classification of likely benign for this disease.

NM_004132.5(HABP2):c.*869T>G

Genes: HABP2 (hyaluronan binding protein 2; plus strand), NRAP (nebulin related anchoring protein; minus strand). Cytogenetic location: 10q25.3.
Variant type: single nucleotide variant.
Coding change: c.*869T>G on transcript NM_004132.5 (MANE Select); 869 bases downstream of the stop codon, T replaced by G.
Molecular consequence: 3 prime UTR variant. On other transcripts: intron variant (4).
Genome position (GRCh38, 1-based): chr10:113,589,238, T>G. VCF-style: chr10-113589238-T-G. GRCh37 (hg19) VCF-style: chr10-115348997-T-G.
Other names: c.*869T>G (NM_001177660.3); c.4984-159A>C (NM_006175.5); c.4981-159A>C (NM_001322945.2); c.5089-159A>C (NM_198060.4); c.5089-156A>C (NM_001261463.2).
Identifiers: ClinVar variation 298938 (VCV000298938.5), dbSNP rs3740529, ClinGen allele CA10634741.